The following is an entry in ClinVar:

ClinVar aggregate classification (germline): Benign/Likely benign. Review status: criteria provided, multiple submitters, no conflicts (2 of 4 stars). 14 submissions from 14 submitters: Benign (11); Likely benign (1). 2 of the submissions do not count toward it. Last evaluated 2026-02-04.

Conditions:
Hypokalemic periodic paralysis, type 1. Also called: Hypokalemic Periodic Paralysis Type 1 (AD); HypoPP. Identifiers: Orphanet 681, MedGen C3714580, MONDO:0042979, OMIM 170400.
Malignant hyperthermia, susceptibility to, 5 (MHS5). Also called: CACNA1S-Related Malignant Hyperthermia Susceptibility. Identifiers: Orphanet 423, MedGen C1866077, MONDO:0011163, OMIM 601887.
Thyrotoxic periodic paralysis, susceptibility to, 1 (TTPP1). Identifiers: Orphanet 79102, MedGen C2749982, MONDO:0008570, OMIM 188580.

Allele frequency attached by ClinVar (database versions not stated): ESP Exome Variant Server 0.70329; TOPMed 0.70835; gnomAD 0.71016 and 0.71993; 1000 Genomes Project 30x 0.75094; 1000 Genomes Project 0.75958; ExAC 0.78137; gnomAD exomes 0.78186 and 0.78245.
gnomAD v4.1: 1,252,838 of 1,613,192 alleles (78%); highest among the groups gnomAD compares: East Asian, 96%; 490,367 homozygotes.

Submissions (14):

Labcorp Genetics (formerly Invitae), Labcorp
Classification: Benign for Hypokalemic periodic paralysis, type 1; Malignant hyperthermia, susceptibility to, 5. Last evaluated: 2026-02-04. Review status: criteria provided, single submitter. Criteria: Invitae Variant Classification Sherloc (09022015). Collection method: clinical testing. Allele origin: germline.

Blueprint Genetics
Classification: Benign. Last evaluated: 2024-11-26. Review status: criteria provided, single submitter. Criteria: ACMG Guidelines, 2015. Collection method: clinical testing. Allele origin: germline.

Fulgent Genetics
Classification: Likely benign for Hypokalemic periodic paralysis, type 1; Thyrotoxic periodic paralysis, susceptibility to, 1; Malignant hyperthermia, susceptibility to, 5. Last evaluated: 2022-05-19. Review status: criteria provided, single submitter. Criteria: ACMG Guidelines, 2015. Collection method: clinical testing. Allele origin: unknown.

Genome-Nilou Lab
Classification: Benign for Hypokalemic periodic paralysis, type 1. Last evaluated: 2021-07-14. Review status: criteria provided, single submitter. Criteria: ACMG Guidelines, 2015. Collection method: clinical testing. Allele origin: germline. Affected: no.

Color Diagnostics, LLC DBA Color Health
Classification: Benign for Malignant hyperthermia, susceptibility to, 5. Last evaluated: 2018-03-05. Review status: criteria provided, single submitter. Criteria: ACMG Guidelines, 2015. Collection method: clinical testing. Allele origin: germline.

Illumina Laboratory Services, Illumina
Classification: Benign for Hypokalemic periodic paralysis, type 1. Last evaluated: 2018-01-13. Review status: criteria provided, single submitter. Criteria: ICSL Variant Classification Criteria 13 December 2019. Collection method: clinical testing. Allele origin: germline.
Comment: This variant was observed in the ICSL laboratory as part of a predisposition screen in an ostensibly healthy population. It had not been previously curated by ICSL or reported in the Human Gene Mutation Database (HGMD: prior to June 1st, 2018), and was therefore a candidate for classification through an automated scoring system. Utilizing variant allele frequency, disease prevalence and penetrance estimates, and inheritance mode, an automated score was calculated to assess if this variant is too frequent to cause the disease. Based on the score and internal cut-off values, a variant classified as benign is not then subjected to further curation. The score for this variant resulted in a classification of benign for this disease.

Mayo Clinic Laboratories, Mayo Clinic
Classification: Benign. Last evaluated: 2017-10-05. Review status: criteria provided, single submitter. Criteria: ACMG Guidelines, 2015. Collection method: clinical testing. Allele origin: germline. Observed: 536 variant alleles.

Athena Diagnostics
Classification: Benign. Last evaluated: 2017-07-21. Review status: criteria provided, single submitter. Criteria: Athena Diagnostics Criteria. Collection method: clinical testing. Allele origin: germline.

Women's Health and Genetics/Laboratory Corporation of America, LabCorp
Classification: Benign. Last evaluated: 2016-02-11. Review status: criteria provided, single submitter. Criteria: LabCorp Variant Classification Summary - May 2015. Collection method: clinical testing. Allele origin: germline.
Comment: Variant summary: This c.1828-5T>C variant affects a non-conserved nucleotide, resulting in intronic change. 5/5 programs via Alamut predict that this variant does not affect normal splicing. This variant was found in 94859/121400 control chromosomes at a frequency of 0.7813756, which is more than 625099 times greater than the maximal expected frequency of a pathogenic allele (0.0000013) in this gene. This suggests that this variant is a very common polymorphism.

GeneDx
Classification: Benign. Last evaluated: 2016-01-22. Review status: criteria provided, single submitter. Criteria: GeneDx Variant Classification (06012015). Collection method: clinical testing. Allele origin: germline. Affected: yes.
Comment: This variant is considered likely benign or benign based on one or more of the following criteria: it is a conservative change, it occurs at a poorly conserved position in the protein, it is predicted to be benign by multiple in silico algorithms, and/or has population frequency not consistent with disease.

Breakthrough Genomics
Classification: Benign. Review status: criteria provided, single submitter. Criteria: ACMG Guidelines, 2015. Collection method: not provided. Allele origin: germline. Inheritance: Autosomal dominant inheritance. Affected: yes.

PreventionGenetics, part of Exact Sciences
Classification: Benign. Review status: criteria provided, single submitter. Criteria: ACMG Guidelines, 2015. Collection method: clinical testing. Allele origin: germline.

Diagnostic Laboratory, Department of Genetics, University Medical Center Groningen
Classification: Benign. Review status: no assertion criteria provided. Collection method: clinical testing. Allele origin: germline. Affected: yes. Study: VKGL Data-share Consensus. Not counted in ClinVar's aggregate classification.

Joint Genome Diagnostic Labs from Nijmegen and Maastricht, Radboudumc and MUMC+
Classification: Benign. Review status: no assertion criteria provided. Collection method: clinical testing. Allele origin: germline. Affected: yes. Study: VKGL Data-share Consensus. Not counted in ClinVar's aggregate classification.

NM_000069.3(CACNA1S):c.1828-5T>C

Gene: CACNA1S (calcium voltage-gated channel subunit alpha1 S; minus strand). Cytogenetic location: 1q32.1.
Variant type: single nucleotide variant.
Coding change: c.1828-5T>C on transcript NM_000069.3 (MANE Select); 5 bases into the intron before coding-DNA position 1828, T replaced by C.
Molecular consequence: intron variant.
Genome position (GRCh38, 1-based): chr1:201,075,620, A>G on the plus strand (T>C on the coding strand, the complement: CACNA1S is on the minus strand). VCF-style: chr1-201075620-A-G. GRCh37 (hg19) VCF-style: chr1-201044748-A-G.
Other names: p.?.
Identifiers: ClinVar variation 254804 (VCV000254804.27), dbSNP rs1998721, ClinGen allele CA078615.